The following is an entry in ClinVar:

ClinVar aggregate classification (germline): Uncertain significance (1 of 4 stars; one submission).

Conditions:
Werner syndrome (WRN). Identifiers: Orphanet 902, MedGen C0043119, MONDO:0010196, OMIM 277700.

gnomAD v4.1: 1 of 1,613,872 alleles (0.000062%); no homozygotes.

Submission:

Labcorp Genetics (formerly Invitae), Labcorp
Classification: Uncertain significance for Werner syndrome. Last evaluated: 2022-03-26. Review status: criteria provided, single submitter. Criteria: Invitae Variant Classification Sherloc (09022015). Collection method: clinical testing. Allele origin: germline.
Comment: In summary, the available evidence is currently insufficient to determine the role of this variant in disease. Therefore, it has been classified as a Variant of Uncertain Significance. Algorithms developed to predict the effect of missense changes on protein structure and function are either unavailable or do not agree on the potential impact of this missense change (SIFT: "Not Available"; PolyPhen-2: "Probably Damaging"; Align-GVGD: "Not Available"). This variant has not been reported in the literature in individuals affected with WRN-related conditions. This variant is not present in population databases (gnomAD no frequency). This sequence change replaces leucine, which is neutral and non-polar, with proline, which is neutral and non-polar, at codon 664 of the WRN protein (p.Leu664Pro).

NM_000553.6(WRN):c.1991T>C (p.Leu664Pro)

Gene: WRN (WRN RecQ like helicase; plus strand). Cytogenetic location: 8p12.
Variant type: single nucleotide variant.
Coding change: c.1991T>C on transcript NM_000553.6 (MANE Select); coding-DNA position 1991, T replaced by C.
Protein change: p.Leu664Pro; replaces leucine 664 with proline.
Molecular consequence: missense variant.
Genome position (GRCh38, 1-based): chr8:31,100,858, T>C. VCF-style: chr8-31100858-T-C. GRCh37 (hg19) VCF-style: chr8-30958374-T-C.
Other names: short protein forms L664P.
Identifiers: ClinVar variation 2117008 (VCV002117008.4), dbSNP rs1190868392, ClinGen allele CA370908188.